The following is an entry in ClinVar:

ClinVar aggregate classification (germline): Conflicting classifications of pathogenicity. Review status: criteria provided, conflicting classifications (1 of 4 stars). 3 submissions from 3 submitters: Likely pathogenic (2); Uncertain significance (1). Last evaluated 2025-10-22.

Conditions:
Noonan syndrome and Noonan-related syndrome. Identifiers: Orphanet 98733, MedGen C5681679, MONDO:0020297.
Cardiovascular phenotype. Identifiers: MedGen CN230736.
Hereditary cancer-predisposing syndrome. Also called: Hereditary Cancer Syndrome; Hereditary neoplastic syndrome; Neoplastic Syndromes, Hereditary; Tumor predisposition. Identifiers: Orphanet 140162, MedGen C0027672, MeSH D009386, MONDO:0015356.
Noonan syndrome 10 (NS10). Identifiers: Orphanet 648, MedGen C4225280, MONDO:0014693, OMIM 616564.

Submissions (3):

Ambry Genetics
Classification: Uncertain significance for Cardiovascular phenotype; Hereditary cancer-predisposing syndrome. Last evaluated: 2025-10-22. Review status: criteria provided, single submitter. Criteria: Ambry Variant Classification Scheme 2023. Collection method: clinical testing. Allele origin: germline.
Comment: The c.2405delA variant, located in coding exon 20 of the LZTR1 gene, results from a deletion of one nucleotide at nucleotide position 2405, causing a translational frameshift with a predicted alternate stop codon (p.K802Rfs*11). This alteration occurs at the 3' terminus of theLZTR1 gene, is not expected to trigger nonsense-mediated mRNAdecay, and only impacts the last 39 amino acids of the protein. The exact functional effect of this alteration is unknown. Based on the available evidence, the clinical significance of this variant remains unclear.

Genome Diagnostics Laboratory, The Hospital for Sick Children
Classification: Likely pathogenic for Noonan syndrome and Noonan-related syndrome. Last evaluated: 2021-05-07. Review status: criteria provided, single submitter. Criteria: ACMG Guidelines, 2015. Collection method: clinical testing. Allele origin: germline. Affected: yes.

University Health Network, Familial Cancer Clinic, Princess Margaret Cancer Centre
Classification: Likely pathogenic for Noonan syndrome 10. Review status: criteria provided, single submitter. Criteria: ACMG Guidelines, 2015. Collection method: clinical testing. Allele origin: germline. Inheritance: Autosomal dominant inheritance. Affected: yes. Observed: 1 variant allele.

NM_006767.4(LZTR1):c.2405del (p.Lys802fs)

Gene: LZTR1 (leucine zipper like post translational regulator 1; plus strand). Cytogenetic location: 22q11.21.
Variant type: Deletion.
Coding change: c.2405del on transcript NM_006767.4 (MANE Select); coding-DNA position 2405, one base deleted (A; older notation c.2405delA).
Protein change: p.Lys802fs; shifts the reading frame from lysine 802.
Molecular consequence: frameshift variant.
Genome position (GRCh38, 1-based): chr22:20,996,965, A deleted; the last of 2 consecutive A bases (chr22:20,996,964-20,996,965); deleting either gives the same sequence. VCF-style (leftmost placement, unchanged base first): chr22-20996963-CA-C. GRCh37 (hg19) VCF-style: chr22-21351252-CA-C.
Other names: short protein forms K802fs.
Identifiers: ClinVar variation 1334313 (VCV001334313.6), dbSNP rs1601723893, ClinGen allele CA2573054978.